The following is an entry in ClinVar:

ClinVar aggregate classification (germline): Uncertain significance (1 of 4 stars; one submission).

Submission:

Clinical Genomics Laboratory, Laboratory for Precision Diagnostics, University of Washington
Classification: Uncertain significance. Last evaluated: 2019-11-22. Review status: criteria provided, single submitter. Criteria: Clinical Cytogenomics Laboratory Policy on CNV Interpretation. Collection method: clinical testing. Allele origin: unknown. Affected: yes. Observed: 1 variant allele.

Literature cited by the submitters: PubMed 31152157; PubMed 20648246; PubMed 22031302.

GRCh37/hg19 14q21.1(chr14:42100553-42468545)x1

Gene: LRFN5 (leucine rich repeat and fibronectin type III domain containing 5; plus strand). Cytogenetic location: 14q21.1.
Variant type: copy number loss.
Change: copy number 1 (one copy instead of two) of chr14:42,100,553-42,468,545 (368.0 kb, GRCh37 coordinates, 1-based), cytogenetic band 14q21.1.
Identifiers: ClinVar variation 929403 (VCV000929403.2).